The following is an entry in ClinVar:

NM_000038.6(APC):c.8171C>G (p.Ser2724Cys)

Gene: APC (APC regulator of Wnt signaling pathway; plus strand). Cytogenetic location: 5q22.2.
Variant type: single nucleotide variant.
Coding change: c.8171C>G on transcript NM_000038.6 (MANE Select); coding-DNA position 8171, C replaced by G.
Protein change: p.Ser2724Cys; replaces serine 2724 with cysteine.
Molecular consequence: missense variant.
Genome position (GRCh38, 1-based): chr5:112,843,765, C>G. VCF-style: chr5-112843765-C-G. GRCh37 (hg19) VCF-style: chr5-112179462-C-G.
Other names: c.8171C>G (NM_000038.5); c.8171C>G, p.Ser2724Cys (NM_001127510.3, NM_001354895.2); c.8117C>G, p.Ser2706Cys (NM_001127511.3); c.8225C>G, p.Ser2742Cys (NM_001354896.2); c.8201C>G, p.Ser2734Cys (NM_001354897.2); c.8096C>G, p.Ser2699Cys (NM_001354898.2); c.8087C>G, p.Ser2696Cys (NM_001354899.2); c.8048C>G, p.Ser2683Cys (NM_001354900.2); and 6 more; short protein forms S2598C, S2633C, S2683C, S2734C, S2441C, S2564C, S2623C, S2665C.
Identifiers: ClinVar variation 1505746 (VCV001505746.10), dbSNP rs1766671144, ClinGen allele CA16039068.

ClinVar aggregate classification (germline): Uncertain significance. Review status: criteria provided, multiple submitters, no conflicts (2 of 4 stars). 3 submissions from 3 submitters: Uncertain significance (3). Last evaluated 2025-04-18.

Conditions:
Familial adenomatous polyposis 1 (FAP1). Also called: FAMILIAL ADENOMATOUS POLYPOSIS 1, ATTENUATED; POLYPOSIS, ADENOMATOUS INTESTINAL. Identifiers: MedGen C2713442, MONDO:0021056, OMIM 175100. Disease mechanism: loss of function.
Hereditary cancer-predisposing syndrome. Also called: Hereditary neoplastic syndrome; Tumor predisposition; Neoplastic Syndromes, Hereditary; Hereditary Cancer Syndrome. Identifiers: Orphanet 140162, MedGen C0027672, MeSH D009386, MONDO:0015356.

Submissions (3):

Labcorp Genetics (formerly Invitae), Labcorp
Classification: Uncertain significance for Familial adenomatous polyposis 1. Last evaluated: 2025-04-18. Review status: criteria provided, single submitter. Criteria: Invitae Variant Classification Sherloc (09022015). Collection method: clinical testing. Allele origin: germline.
Comment: This sequence change replaces serine, which is neutral and polar, with cysteine, which is neutral and slightly polar, at codon 2724 of the APC protein (p.Ser2724Cys). This variant is not present in population databases (gnomAD no frequency). This variant has not been reported in the literature in individuals affected with APC-related conditions. ClinVar contains an entry for this variant (Variation ID: 1505746). Invitae Evidence Modeling of protein sequence and biophysical properties (such as structural, functional, and spatial information, amino acid conservation, physicochemical variation, residue mobility, and thermodynamic stability) indicates that this missense variant is not expected to disrupt APC protein function with a negative predictive value of 95%. In summary, the available evidence is currently insufficient to determine the role of this variant in disease. Therefore, it has been classified as a Variant of Uncertain Significance.

Color Diagnostics, LLC DBA Color Health
Classification: Uncertain significance for Hereditary cancer-predisposing syndrome. Last evaluated: 2024-02-12. Review status: criteria provided, single submitter. Criteria: ACMG Guidelines, 2015. Collection method: clinical testing. Allele origin: germline.
Comment: This missense variant replaces serine with cysteine at codon 2724 of the APC protein. Computational prediction suggests that this variant may not impact protein structure and function (internally defined REVEL score threshold <= 0.5, PMID: 27666373). To our knowledge, functional studies have not been reported for this variant. This variant has not been reported in individuals affected with APC-related disorders in the literature. This variant has not been identified in the general population by the Genome Aggregation Database (gnomAD). The available evidence is insufficient to determine the role of this variant in disease conclusively. Therefore, this variant is classified as a Variant of Uncertain Significance.

Ambry Genetics
Classification: Uncertain significance for Hereditary cancer-predisposing syndrome. Last evaluated: 2023-12-04. Review status: criteria provided, single submitter. Criteria: Ambry Variant Classification Scheme 2023. Collection method: clinical testing. Allele origin: germline.
Comment: The p.S2724C variant (also known as c.8171C>G), located in coding exon 15 of the APC gene, results from a C to G substitution at nucleotide position 8171. The serine at codon 2724 is replaced by cysteine, an amino acid with dissimilar properties. This amino acid position is conserved. In addition, in silico predictors for this gene do not accurately predict pathogenicity. Since supporting evidence is limited at this time, the clinical significance of this alteration remains unclear.